The following is an entry in ClinVar:

NM_003235.5(TG):c.7782C>T (p.Ile2594=)

Gene: TG (thyroglobulin; plus strand). Cytogenetic location: 8q24.22.
Variant type: single nucleotide variant.
Coding change: c.7782C>T on transcript NM_003235.5 (MANE Select); coding-DNA position 7782, C replaced by T.
Protein change: p.Ile2594=; no amino-acid change (isoleucine 2594 retained).
Molecular consequence: synonymous variant.
Genome position (GRCh38, 1-based): chr8:133,116,636, C>T. VCF-style: chr8-133116636-C-T. GRCh37 (hg19) VCF-style: chr8-134128880-C-T.
Identifiers: ClinVar variation 723954 (VCV000723954.31), dbSNP rs139055416, ClinGen allele CA4885788.

ClinVar aggregate classification (germline): Conflicting classifications of pathogenicity. Review status: criteria provided, conflicting classifications (1 of 4 stars). 5 submissions from 5 submitters: Uncertain significance (1); Likely benign (4). Last evaluated 2026-01-31.

Conditions:
Iodotyrosyl coupling defect (TDH3). Also called: HYPOTHYROIDISM, CONGENITAL, DUE TO DYSHORMONOGENESIS, 3; THYROID HORMONOGENESIS, GENETIC DEFECT IN, 3. Identifiers: Orphanet 95716, MedGen C0342194, MONDO:0010135, OMIM 274700.
TG-related disorder. Also called: TG-related condition; TG-related disorders.

Allele frequency attached by ClinVar (database versions not stated): 1000 Genomes Project 30x 0.00156; TOPMed 0.00162; gnomAD 0.00166 and 0.00169; 1000 Genomes Project 0.00180; ESP Exome Variant Server 0.00215.
gnomAD v4.1: 4,337 of 1,614,198 alleles (0.27%); highest among the groups gnomAD compares: Non-Finnish European, 0.33%; 6 homozygotes.

Submissions (5):

Labcorp Genetics (formerly Invitae), Labcorp
Classification: Likely benign. Last evaluated: 2026-01-31. Review status: criteria provided, single submitter. Criteria: Invitae Variant Classification Sherloc (09022015). Collection method: clinical testing. Allele origin: germline.

PreventionGenetics, part of Exact Sciences
Classification: Likely benign for TG-related condition. Last evaluated: 2025-05-07. Review status: criteria provided, single submitter. Criteria: ACMG Guidelines, 2015. Collection method: clinical testing. Allele origin: germline.
Comment: This variant is classified as likely benign based on ACMG/AMP sequence variant interpretation guidelines (Richards et al. 2015 PMID: 25741868, with internal and published modifications).

Blueprint Genetics
Classification: Likely benign. Last evaluated: 2024-11-25. Review status: criteria provided, single submitter. Criteria: ACMG Guidelines, 2015. Collection method: clinical testing. Allele origin: germline.

CeGaT Center for Human Genetics Tuebingen
Classification: Likely benign. Last evaluated: 2024-06-01. Review status: criteria provided, single submitter. Criteria: CeGaT Center For Human Genetics Tuebingen Variant Classification Criteria Version 2. Collection method: clinical testing. Allele origin: germline. Affected: yes. Observed: 1 variant allele.
Comment: TG: BP4, BP7

Illumina Laboratory Services, Illumina
Classification: Uncertain significance for Iodotyrosyl coupling defect. Last evaluated: 2018-01-13. Review status: criteria provided, single submitter. Criteria: ICSL Variant Classification Criteria 13 December 2019. Collection method: clinical testing. Allele origin: germline.